The following is an entry in ClinVar:

ClinVar aggregate classification (germline): Likely benign. Review status: criteria provided, single submitter (1 of 4 stars). 2 submissions from 2 submitters: Likely benign (1). 1 of the submissions does not count toward it. Last evaluated 2020-01-19.

Conditions:
Progressive encephalopathy with leukodystrophy due to DECR deficiency. Identifiers: Orphanet 431361, MedGen C1857252, MONDO:0014464, OMIM 616034.
NADK2-related disorder. Also called: NADK2-related condition.

Allele frequency attached by ClinVar (database versions not stated): TOPMed below 0.00001; gnomAD 0.00001; gnomAD exomes 0.00001 and 0.00002.
gnomAD v4.1: 13 of 1,613,814 alleles (0.00081%); highest among the groups gnomAD compares: Admixed American, 0.005%; no homozygotes.

Submissions (2):

Labcorp Genetics (formerly Invitae), Labcorp
Classification: Likely benign for Progressive encephalopathy with leukodystrophy due to DECR deficiency. Last evaluated: 2020-01-19. Review status: criteria provided, single submitter. Criteria: Invitae Variant Classification Sherloc (09022015). Collection method: clinical testing. Allele origin: germline.

PreventionGenetics, part of Exact Sciences
Classification: Likely benign for NADK2-related condition. Last evaluated: 2020-01-20. Review status: no assertion criteria provided. Collection method: clinical testing. Allele origin: germline. Not counted in ClinVar's aggregate classification.
Comment: This variant is classified as likely benign based on ACMG/AMP sequence variant interpretation guidelines (Richards et al. 2015 PMID: 25741868, with internal and published modifications).

NM_001085411.3(NADK2):c.717C>T (p.His239=)

Gene: NADK2 (NAD kinase 2, mitochondrial; minus strand). Cytogenetic location: 5p13.2.
Variant type: single nucleotide variant.
Coding change: c.717C>T on transcript NM_001085411.3 (MANE Select); coding-DNA position 717, C replaced by T.
Protein change: p.His239=; no amino-acid change (histidine 239 retained).
Molecular consequence: synonymous variant.
Genome position (GRCh38, 1-based): chr5:36,217,812, G>A on the plus strand (C>T on the coding strand, the complement: NADK2 is on the minus strand). VCF-style: chr5-36217812-G-A. GRCh37 (hg19) VCF-style: chr5-36217914-G-A.
Other names: c.228C>T, p.His76= (NM_001287340.2, NM_001287341.2, NM_153013.5).
Identifiers: ClinVar variation 794855 (VCV000794855.10), dbSNP rs1229946296, ClinGen allele CA443899062.